The following is an entry in ClinVar:

NM_000486.6(AQP2):c.576dup (p.Val193fs)

Genes: AQP2 (aquaporin 2; plus strand), AQP5-AS1 (AQP5 and AQP2 antisense RNA 2; minus strand). Cytogenetic location: 12q13.12.
Variant type: Duplication.
Coding change: c.576dup on transcript NM_000486.6 (MANE Select); coding-DNA position 576, one base duplicated (T; older notation c.576dupT).
Protein change: p.Val193fs; shifts the reading frame from valine 193.
Molecular consequence: frameshift variant.
Genome position (GRCh38, 1-based): chr12:49,954,680, T duplicated. VCF-style (leftmost placement, unchanged base first): chr12-49954679-C-CT. GRCh37 (hg19) VCF-style: chr12-50348462-C-CT.
Other names: short protein forms V193fs.
Identifiers: ClinVar variation 4060730 (VCV004060730.2).
Genomic context (GRCh38, chr12:49,954,679, plus strand): 5'-TCCCACTGCAGATCCATTACACCGGCTGCTCTATGAATCCTGCCCGCTCCCTGGCTCCAG[C>CT]TGTCGTCACTGGCAAATTTGATGACCACTGGGTAATGGCTGAAACCCCCTGCCCTCCCCT-3'

ClinVar aggregate classification (germline): Likely pathogenic (1 of 4 stars; one submission).

Conditions:
Nephrogenic diabetes insipidus. Identifiers: Orphanet 223, MedGen C0162283, MONDO:0016383, HP:0009806.

Submission:

Natera, Inc.
Classification: Likely pathogenic for Nephrogenic diabetes insipidus. Last evaluated: 2025-12-11. Review status: criteria provided, single submitter. Criteria: Natera Variant Classification Schema (03/2026). Collection method: clinical testing. Allele origin: germline.
Comment: The c.576dup variant in AQP2 is a frameshift variant predicted to shift the reading frame beginning at codon 193 and leads to a stop codon 7 codons downstream. This variant is expected to result in nonsense mediated decay, truncation, or a dysfunctional protein product. This variant is rare in the general population with a frequency below the threshold expected for the associated phenotype(s). This variant has been observed in one or more individuals affected with the associated recessive disease, as either homozygous or compound heterozygous with a second variant (PMID: 31445568). Given the available evidence, this variant is classified as Likely Pathogenic.

Literature cited by the submitters: PubMed 31445568.